The following is an entry in ClinVar:

NM_001041.4(SI):c.4685del (p.Asn1562fs)

Gene: SI (sucrase-isomaltase; minus strand). Cytogenetic location: 3q26.1.
Variant type: Deletion.
Coding change: c.4685del on transcript NM_001041.4 (MANE Select); coding-DNA position 4685, one base deleted (A; older notation c.4685delA).
Protein change: p.Asn1562fs; shifts the reading frame from asparagine 1562.
Molecular consequence: frameshift variant.
Genome position (GRCh38, 1-based): chr3:164,996,542, T deleted on the plus strand (A on the coding strand, the reverse complement: SI is on the minus strand); the first of 3 consecutive T bases (chr3:164,996,542-164,996,544); deleting any one gives the same sequence. VCF-style (leftmost placement, unchanged base first): chr3-164996541-AT-A. GRCh37 (hg19) VCF-style: chr3-164714329-AT-A.
Other names: short protein forms N1562fs.
Identifiers: ClinVar variation 1459716 (VCV001459716.6), dbSNP rs1718019180, ClinGen allele CA1417303882.

ClinVar aggregate classification (germline): Pathogenic (1 of 4 stars; one submission).

Submission:

Labcorp Genetics (formerly Invitae), Labcorp
Classification: Pathogenic. Last evaluated: 2025-10-21. Review status: criteria provided, single submitter. Criteria: Invitae Variant Classification Sherloc (09022015). Collection method: clinical testing. Allele origin: germline.
Comment: This sequence change creates a premature translational stop signal (p.Asn1562Ilefs*22) in the SI gene. It is expected to result in an absent or disrupted protein product. Loss-of-function variants in SI are known to be pathogenic (PMID: 16329100, 23103650, 25452324). This variant is not present in population databases (gnomAD no frequency). This variant has not been reported in the literature in individuals affected with SI-related conditions. ClinVar contains an entry for this variant (Variation ID: 1459716). For these reasons, this variant has been classified as Pathogenic.

Literature cited by the submitters: PubMed 16329100; PubMed 23103650; PubMed 25452324.